The following is an entry in ClinVar:

NM_001377.3(DYNC2H1):c.11429C>G (p.Thr3810Ser)

Gene: DYNC2H1 (dynein cytoplasmic 2 heavy chain 1; plus strand). Cytogenetic location: 11q22.3.
Variant type: single nucleotide variant.
Coding change: c.11429C>G on transcript NM_001377.3 (MANE Select); coding-DNA position 11429, C replaced by G.
Protein change: p.Thr3810Ser; replaces threonine 3810 with serine.
Molecular consequence: missense variant.
Genome position (GRCh38, 1-based): chr11:103,307,767, C>G. VCF-style: chr11-103307767-C-G. GRCh37 (hg19) VCF-style: chr11-103178496-C-G.
Other names: c.11450C>G, p.Thr3817Ser (NM_001080463.2); short protein forms T3817S, T3810S.
Identifiers: ClinVar variation 450284 (VCV000450284.2), dbSNP rs1555096677, ClinGen allele CA382261975.

ClinVar aggregate classification (germline): Uncertain significance (1 of 4 stars; one submission).

Submission:

GeneDx
Classification: Uncertain significance. Last evaluated: 2018-12-07. Review status: criteria provided, single submitter. Criteria: GeneDx Variant Classification (06012015). Collection method: clinical testing. Allele origin: germline. Affected: yes.
Comment: The T3817S variant in the DYNC2H1 gene has not been reported previously as a pathogenic variant, nor as a benign variant, to our knowledge. This variant is not observed in large population cohorts (Lek et al., 2016; 1000 Genomes Consortium et al., 2015; Exome Variant Server). The T3817S variant is a conservative amino acid substitution, which is not likely to impact secondary protein structure as these residues share similar properties. However, this substitution occurs at a position that is conserved across species, and in silico analysis predicts this variant is probably damaging to the protein structure/function. We interpret T3817S as a variant of uncertain significance.